The following is an entry in ClinVar:

ClinVar aggregate classification (germline): Uncertain significance (1 of 4 stars; one submission).

Conditions:
Spastic ataxia 2. Also called: Ataxia, spastic, 2, autosomal recessive. Identifiers: Orphanet 397946, MedGen C1969796, MONDO:0012651, OMIM 611302.

Submission:

Labcorp Genetics (formerly Invitae), Labcorp
Classification: Uncertain significance for Ataxia, spastic, 2, autosomal recessive. Last evaluated: 2018-09-10. Review status: criteria provided, single submitter. Criteria: Invitae Variant Classification Sherloc (09022015). Collection method: clinical testing. Allele origin: germline.
Comment: This sequence change falls in intron 7 of the KIF1C gene. It does not directly change the encoded amino acid sequence of the KIF1C protein, but it affects a nucleotide within the consensus splice site of the intron. This variant is not present in population databases (ExAC no frequency). This variant has not been reported in the literature in individuals with KIF1C-related disease. Nucleotide substitutions within the consensus splice site are a relatively common cause of aberrant splicing (PMID: 17576681, 9536098). Algorithms developed to predict the effect of sequence changes on RNA splicing suggest that this variant may disrupt the consensus splice site, but this prediction has not been confirmed by published transcriptional studies. In summary, the available evidence is currently insufficient to determine the role of this variant in disease. Therefore, it has been classified as a Variant of Uncertain Significance.

NM_006612.6(KIF1C):c.608+2_608+3dup

Gene: KIF1C (kinesin family member 1C; plus strand). Cytogenetic location: 17p13.2.
Variant type: Duplication.
Coding change: c.608+2_608+3dup on transcript NM_006612.6 (MANE Select); the canonical splice donor site of the intron after coding-DNA position 608 through 3 bases into the intron after coding-DNA position 608, 2 bases duplicated (TG; older notation c.608+2_608+3dupTG).
Molecular consequence: splice donor variant.
Genome position (GRCh38, 1-based): chr17:5,002,644-5,002,645, TG duplicated; duplicating any 2 consecutive bases within chr17:5,002,643-5,002,645 gives the same sequence; the c. name uses the placement nearest the transcript's 3' end. VCF-style (leftmost placement, unchanged base first): chr17-5002642-G-GGT. GRCh37 (hg19) VCF-style: chr17-4905937-G-GGT.
Other names: c.608+2_608+3dupTG (NM_006612.5).
Identifiers: ClinVar variation 640687 (VCV000640687.1), dbSNP rs1597841997, ClinGen allele CA915949481.